The following is an entry in ClinVar:

ClinVar aggregate classification (germline): Uncertain significance (1 of 4 stars; one submission).

Conditions:
Beckwith-Wiedemann syndrome (BWS). Also called: Exomphalos macroglossia gigantism syndrome; EMG SYNDROME. Identifiers: Orphanet 116, MedGen C0004903, MONDO:0007534, OMIM 130650.

Allele frequency attached by ClinVar (database versions not stated): TOPMed below 0.00001.

Submission:

Labcorp Genetics (formerly Invitae), Labcorp
Classification: Uncertain significance for Beckwith-Wiedemann syndrome. Last evaluated: 2024-10-23. Review status: criteria provided, single submitter. Criteria: Invitae Variant Classification Sherloc (09022015). Collection method: clinical testing. Allele origin: germline.
Comment: This sequence change replaces proline, which is neutral and non-polar, with leucine, which is neutral and non-polar, at codon 140 of the CDKN1C protein (p.Pro140Leu). This variant is not present in population databases (gnomAD no frequency). This variant has not been reported in the literature in individuals affected with CDKN1C-related conditions. Experimental studies and prediction algorithms are not available or were not evaluated, and the functional significance of this variant is currently unknown. In summary, the available evidence is currently insufficient to determine the role of this variant in disease. Therefore, it has been classified as a Variant of Uncertain Significance.

NM_001122630.2(CDKN1C):c.386C>T (p.Pro129Leu)

Gene: CDKN1C (cyclin dependent kinase inhibitor 1C; minus strand). Cytogenetic location: 11p15.4.
Variant type: single nucleotide variant.
Coding change: c.386C>T on transcript NM_001122630.2 (MANE Select); coding-DNA position 386, C replaced by T.
Protein change: p.Pro129Leu; replaces proline 129 with leucine.
Molecular consequence: missense variant. On other transcripts: intron variant (1).
Genome position (GRCh38, 1-based): chr11:2,885,071, G>A on the plus strand (C>T on the coding strand, the complement: CDKN1C is on the minus strand). VCF-style: chr11-2885071-G-A. GRCh37 (hg19) VCF-style: chr11-2906301-G-A.
Other names: c.419C>T, p.Pro140Leu (NM_000076.2, NM_001362474.2); c.386C>T, p.Pro129Leu (NM_001122631.2); c.255+131C>T (NM_001362475.2); short protein forms P129L, P140L.
Identifiers: ClinVar variation 2882154 (VCV002882154.3), dbSNP rs1848957364, ClinGen allele CA379146730.